The following is an entry in ClinVar:

NM_000540.3(RYR1):c.13505A>G (p.Glu4502Gly)

Gene: RYR1 (ryanodine receptor 1; plus strand). Cytogenetic location: 19q13.2.
Variant type: single nucleotide variant.
Coding change: c.13505A>G on transcript NM_000540.3 (MANE Select); coding-DNA position 13505, A replaced by G.
Protein change: p.Glu4502Gly; replaces glutamic acid 4502 with glycine.
Molecular consequence: missense variant.
Genome position (GRCh38, 1-based): chr19:38,566,978, A>G. VCF-style: chr19-38566978-A-G. GRCh37 (hg19) VCF-style: chr19-39057618-A-G.
Other names: NM_000540.2(RYR1):c.13505A>G; p.Glu4502Gly; c.13490A>G, p.Glu4497Gly (NM_001042723.2); short protein forms E4502G, E4497G.
Identifiers: ClinVar variation 161366 (VCV000161366.62), dbSNP rs139647387, ClinGen allele CA024053.

ClinVar aggregate classification (germline): Uncertain significance. Review status: reviewed by expert panel (3 of 4 stars). 12 submissions from 11 submitters: Uncertain significance (1). 11 of the submissions do not count toward it. Last evaluated 2025-08-01.

Conditions:
RYR1-related disorder. Also called: RYR1-related disorders; RYR1-related condition. Identifiers: MedGen CN239331.
Malignant hypothermia.
Congenital myopathy. Identifiers: Orphanet 97245, MedGen C0270960, MONDO:0019952.
Congenital multicore myopathy with external ophthalmoplegia (CMYO1B). Also called: MULTICORE MYOPATHY; Minicore myopathy with external ophthalmoplegia; Congenital myopathy 1B, autosomal recessive; MULTIMINICORE DISEASE WITH EXTERNAL OPHTHALMOPLEGIA; Minicore myopathy. Identifiers: Orphanet 598, Orphanet 98905, MedGen C1850674, MONDO:0009712, OMIM 255320, HP:0003789.
Malignant hyperthermia, susceptibility to, 1 (MHS1). Also called: Anesthesia related hyperthermia; Malignant hyperpyrexia; Fulminating hyperpyrexia; Pharmacogenic myopathy; RYR1-Related Malignant Hyperthermia Susceptibility; Malignant hyperthermia suceptibility 1. Identifiers: Orphanet 423, MedGen C2930980, MONDO:0007783, OMIM 145600.

Allele frequency attached by ClinVar (database versions not stated): gnomAD 0.00003; TOPMed 0.00004; gnomAD exomes 0.00008; ESP Exome Variant Server 0.00015; ExAC 0.00020.
gnomAD v4.1: 129 of 1,595,892 alleles (0.0081%); highest among the groups gnomAD compares: Middle Eastern, 0.034%; no homozygotes.

Submissions (12):

ClinGen Malignant Hyperthermia Susceptibility Variant Curation Expert Panel, ClinGen
Classification: Uncertain significance for Malignant hyperthermia, susceptibility to, 1. Last evaluated: 2025-08-01. Review status: reviewed by expert panel. Criteria: ClinGen MHS ACMG Specifications V2. Collection method: curation. Allele origin: germline. Inheritance: Autosomal dominant inheritance.
Comment: This pathogenicity assessment is relevant only for malignant hyperthermia susceptibility (MHS) inherited in an autosomal dominant pattern. Variants in RYR1 can also cause other myopathies inherited in an autosomal dominant pattern or in an autosomal recessive pattern. Some of these disorders may predispose individuals to malignant hyperthermia. RYR1 variants may also contribute to a malignant hyperthermia reaction in combination with other genetic and non-genetic factors and the clinician needs to consider such factors in making management decisions. This sequence variant predicts a substitution of glutamic acid with glycine at codon 4502 of the RYR1 protein, p.(Glu4502Gly). The maximum allele frequency for this variant among the six major gnomAD populations is NFE: 0.000146, a frequency consistent with pathogenicity for MHS. This variant has to our knowledge not been reported in any individuals with a personal or family history of an MH episode or a positive in vitro contracture test (IVCT) or caffeine halothane contracture test (CHCT) result. No functional studies were identified for this variant. This variant does not reside in a hotspot for pathogenic variants that contribute to MHS. A REVEL score of 0.532 supports neither a pathogenic nor a benign status for this variant. This variant has been classified as a Variant of Unknown Significance. Criteria implemented: none.

Blueprint Genetics
Classification: Uncertain significance. Last evaluated: 2024-08-26. Review status: criteria provided, single submitter. Criteria: ACMG Guidelines, 2015. Collection method: clinical testing. Allele origin: germline. Not counted in ClinVar's aggregate classification.

All of Us Research Program, National Institutes of Health
Classification: Uncertain significance for Malignant hyperthermia, susceptibility to, 1. Last evaluated: 2024-07-29. Review status: criteria provided, single submitter. Criteria: ACMG Guidelines, 2015. Collection method: clinical testing. Allele origin: germline. Inheritance: Autosomal dominant inheritance. Observed: 27 variant alleles, 27 heterozygotes. Not counted in ClinVar's aggregate classification.
Comment: This missense variant replaces glutamic acid with glycine at codon 4502 of the RYR1 protein. Computational prediction is inconclusive regarding the impact of this variant on protein structure and function (internally defined REVEL score threshold 0.5 < inconclusive < 0.7, PMID: 27666373). To our knowledge, functional studies have not been reported for this variant.This variant has not been reported in individuals affected with autosomal dominant malignant hyperthermia in the literature, although it has been observed in individuals affected with other phenotypes (PMID: 30724636). This variant has been identified in 19/245982 chromosomes in the general population by the Genome Aggregation Database (gnomAD). The available evidence is insufficient to determine the role of this variant in disease conclusively. Therefore, this variant is classified as a Variant of Uncertain Significance.

This study involves interpretation of variants in research participants for the purpose of population health screening. Participant phenotype was not available at the time of variant classification. Additional details can be found in publication PMID: 35346344, PMCID: PMC8962531

Labcorp Genetics (formerly Invitae), Labcorp
Classification: Uncertain significance for RYR1-related disorder. Last evaluated: 2024-06-29. Review status: criteria provided, single submitter. Criteria: Invitae Variant Classification Sherloc (09022015). Collection method: clinical testing. Allele origin: germline. Not counted in ClinVar's aggregate classification.
Comment: This sequence change replaces glutamic acid, which is acidic and polar, with glycine, which is neutral and non-polar, at codon 4502 of the RYR1 protein (p.Glu4502Gly). This variant is present in population databases (rs139647387, gnomAD 0.01%). This missense change has been observed in individual(s) with congenital myopathy and centronuclear myopathy and multiple joint contractures, scoliosis and cardiomegaly (PMID: 20839240, 30724636; Invitae). In at least one individual the data is consistent with being in trans (on the opposite chromosome) from a pathogenic variant. It has also been observed to segregate with disease in related individuals. ClinVar contains an entry for this variant (Variation ID: 161366). Advanced modeling of protein sequence and biophysical properties (such as structural, functional, and spatial information, amino acid conservation, physicochemical variation, residue mobility, and thermodynamic stability) has been performed at Invitae for this missense variant, however the output from this modeling did not meet the statistical confidence thresholds required to predict the impact of this variant on RYR1 protein function. In summary, the available evidence is currently insufficient to determine the role of this variant in disease. Therefore, it has been classified as a Variant of Uncertain Significance.

Color Diagnostics, LLC DBA Color Health
Classification: Uncertain significance for Malignant hyperthermia, susceptibility to, 1. Last evaluated: 2024-03-28. Review status: criteria provided, single submitter. Criteria: ACMG Guidelines, 2015. Collection method: clinical testing. Allele origin: germline. Not counted in ClinVar's aggregate classification.
Comment: This missense variant replaces glutamic acid with glycine at codon 4502 of the RYR1 protein. Computational prediction is inconclusive regarding the impact of this variant on protein structure and function. To our knowledge, functional studies have not been reported for this variant.This variant has not been reported in individuals affected with autosomal dominant malignant hyperthermia in the literature, although it has been observed in individuals affected with other phenotypes (PMID: 30724636). This variant has been identified in 19/245982 chromosomes in the general population by the Genome Aggregation Database (gnomAD). The available evidence is insufficient to determine the role of this variant in disease conclusively. Therefore, this variant is classified as a Variant of Uncertain Significance.

Mendelics
Classification: Uncertain significance for Malignant hyperthermia, susceptibility to, 1. Last evaluated: 2023-06-02. Review status: criteria provided, single submitter. Criteria: Mendelics Assertion Criteria 2017. Collection method: clinical testing. Allele origin: unknown. Not counted in ClinVar's aggregate classification.

GeneDx
Classification: Uncertain significance. Last evaluated: 2019-10-11. Review status: criteria provided, single submitter. Criteria: GeneDx Variant Classification Process June 2021. Collection method: clinical testing. Allele origin: germline. Affected: yes. Not counted in ClinVar's aggregate classification.
Comment: In silico analysis, which includes protein predictors and evolutionary conservation, supports a deleterious effect; Reported as a single heterozygous variant in an individual with myopathy and in an unrelated invidual with joint contractures, scoliosis, and cardiomegaly, but the variant was inherited from an unaffected parent for the former case and segregation information was not provided for the latter (Wilmshurst et al., 2010; Mu et al., 2019); This variant is associated with the following publications: (PMID: 30724636, 20839240, 25637381)

CeGaT Center for Human Genetics Tuebingen
Classification: Uncertain significance. Last evaluated: 2019-02-01. Review status: criteria provided, single submitter. Criteria: CeGaT Center For Human Genetics Tuebingen Variant Classification Criteria Version 2. Collection method: clinical testing. Allele origin: germline. Affected: yes. Observed: 1 variant allele. Not counted in ClinVar's aggregate classification.

Illumina Laboratory Services, Illumina
Classification: Likely benign for Malignant hyperthermia, susceptibility to, 1. Last evaluated: 2017-04-27. Review status: criteria provided, single submitter. Criteria: ICSL Variant Classification Criteria 13 December 2019. Collection method: clinical testing. Allele origin: germline. Not counted in ClinVar's aggregate classification.
Comment: This variant was observed as part of a predisposition screen in an ostensibly healthy population. A literature search was performed for the gene, cDNA change, and amino acid change (where applicable). No publications were found based on this search. Allele frequency data from public databases allowed determination this variant is unlikely to cause disease. Therefore, this variant is classified as likely benign.

Illumina Laboratory Services, Illumina
Classification: Likely benign for Congenital multicore myopathy with external ophthalmoplegia. Last evaluated: 2017-04-27. Review status: criteria provided, single submitter. Criteria: ICSL Variant Classification Criteria 13 December 2019. Collection method: clinical testing. Allele origin: germline. Not counted in ClinVar's aggregate classification.
Comment: the same text as in the submission from Illumina Laboratory Services, Illumina above.

Genomic Diagnostic Laboratory, Division of Genomic Diagnostics, Children's Hospital of Philadelphia
Classification: Uncertain significance for Malignant hypothermia. Last evaluated: 2015-02-13. Review status: criteria provided, single submitter. Criteria: DGD Variant Analysis Guidelines. Collection method: clinical testing. Allele origin: unknown. Not counted in ClinVar's aggregate classification.

CSER _CC_NCGL, University of Washington
Classification: Likely benign for Myopathy, congenital. Last evaluated: 2014-06-01. Review status: no assertion criteria provided. Collection method: research. Allele origin: germline. Inheritance: Autosomal dominant inheritance. Study: ESP 6500 variant annotation. Not counted in ClinVar's aggregate classification.
Comment: Variants classified for the Actionable exomic incidental findings in 6503 participants: challenges of variant classification manuscript

Literature cited by the submitters: PubMed 30724636 (cited by 3 submitters); PubMed 20839240 (cited by Labcorp Genetics (formerly Invitae), Labcorp).